The following is an entry in ClinVar:

NM_001042492.3(NF1):c.4214T>C (p.Val1405Ala)

Gene: NF1 (neurofibromin 1; plus strand). Cytogenetic location: 17q11.2.
Variant type: single nucleotide variant.
Coding change: c.4214T>C on transcript NM_001042492.3 (MANE Select); coding-DNA position 4214, T replaced by C.
Protein change: p.Val1405Ala; replaces valine 1405 with alanine.
Molecular consequence: missense variant.
Genome position (GRCh38, 1-based): chr17:31,258,384, T>C. VCF-style: chr17-31258384-T-C. GRCh37 (hg19) VCF-style: chr17-29585402-T-C.
Other names: c.4151T>C, p.Val1384Ala (NM_000267.4); short protein forms V1384A, V1405A.
Identifiers: ClinVar variation 1041126 (VCV001041126.7), dbSNP rs1186560791, ClinGen allele CA398997716.

ClinVar aggregate classification (germline): Uncertain significance. Review status: criteria provided, multiple submitters, no conflicts (2 of 4 stars). 2 submissions from 2 submitters: Uncertain significance (2). Last evaluated 2024-05-31.

Conditions:
Hereditary cancer-predisposing syndrome. Also called: Hereditary neoplastic syndrome; Neoplastic Syndromes, Hereditary; Tumor predisposition; Hereditary Cancer Syndrome. Identifiers: Orphanet 140162, MedGen C0027672, MeSH D009386, MONDO:0015356.
Cardiovascular phenotype. Identifiers: MedGen CN230736.
Neurofibromatosis, type 1 (NF1). Also called: VON RECKLINGHAUSEN DISEASE; NEUROFIBROMATOSIS, TYPE I, SOMATIC; Peripheral type neurofibromatosis; Neurofibromatosis, type I. Identifiers: Orphanet 636, MedGen C0027831, MONDO:0018975, OMIM 162200. Disease mechanism: loss of function.

Allele frequency attached by ClinVar (database versions not stated): gnomAD exomes below 0.00001.
gnomAD v4.1: 4 of 1,613,978 alleles (0.00025%); highest among the groups gnomAD compares: South Asian, 0.0044%; no homozygotes.

Submissions (2):

Labcorp Genetics (formerly Invitae), Labcorp
Classification: Uncertain significance for Neurofibromatosis, type 1. Last evaluated: 2024-05-31. Review status: criteria provided, single submitter. Criteria: Invitae Variant Classification Sherloc (09022015). Collection method: clinical testing. Allele origin: germline.
Comment: This sequence change replaces valine, which is neutral and non-polar, with alanine, which is neutral and non-polar, at codon 1384 of the NF1 protein (p.Val1384Ala). This variant is present in population databases (no rsID available, gnomAD 0.003%). This variant has not been reported in the literature in individuals affected with NF1-related conditions. ClinVar contains an entry for this variant (Variation ID: 1041126). Advanced modeling of protein sequence and biophysical properties (such as structural, functional, and spatial information, amino acid conservation, physicochemical variation, residue mobility, and thermodynamic stability) performed at Invitae indicates that this missense variant is expected to disrupt NF1 protein function with a positive predictive value of 95%. In summary, the available evidence is currently insufficient to determine the role of this variant in disease. Therefore, it has been classified as a Variant of Uncertain Significance.

Ambry Genetics
Classification: Uncertain significance for Cardiovascular phenotype; Hereditary cancer-predisposing syndrome. Last evaluated: 2023-09-14. Review status: criteria provided, single submitter. Criteria: Ambry Variant Classification Scheme 2023. Collection method: clinical testing. Allele origin: germline.
Comment: The p.V1384A variant (also known as c.4151T>C), located in coding exon 31 of the NF1 gene, results from a T to C substitution at nucleotide position 4151. The valine at codon 1384 is replaced by alanine, an amino acid with similar properties. This amino acid position is conserved. In addition, this alteration is predicted to be deleterious by in silico analysis. Since supporting evidence is limited at this time, the clinical significance of this alteration remains unclear.